The following is an entry in ClinVar:

ClinVar aggregate classification (germline): Uncertain significance (0 of 4 stars; one submission).

Conditions:
SH2B1-related disorder. Also called: SH2B1-related condition.

gnomAD v4.1: 22 of 1,613,722 alleles (0.0014%); highest among the groups gnomAD compares: Middle Eastern, 0.016%; no homozygotes.

Submission:

PreventionGenetics, part of Exact Sciences
Classification: Uncertain significance for SH2B1-related condition. Last evaluated: 2024-08-21. Review status: no assertion criteria provided. Collection method: clinical testing. Allele origin: germline.
Comment: The SH2B1 c.1019G>A variant is predicted to result in the amino acid substitution p.Arg340Gln. To our knowledge, this variant has not been reported in the literature. This variant is reported in 0.011% of alleles in individuals of East Asian descent in gnomAD. At this time, the clinical significance of this variant is uncertain due to the absence of conclusive functional and genetic evidence.

NM_001387430.1(SH2B1):c.1019G>A (p.Arg340Gln)

Gene: SH2B1 (SH2B adaptor protein 1; plus strand). Cytogenetic location: 16p11.2.
Variant type: single nucleotide variant.
Coding change: c.1019G>A on transcript NM_001387430.1 (MANE Select); coding-DNA position 1019, G replaced by A.
Protein change: p.Arg340Gln; replaces arginine 340 with glutamine.
Molecular consequence: missense variant.
Genome position (GRCh38, 1-based): chr16:28,867,410, G>A. VCF-style: chr16-28867410-G-A. GRCh37 (hg19) VCF-style: chr16-28878731-G-A.
Other names: c.1019G>A, p.Arg340Gln (NM_001145795.2, NM_001145796.2, NM_001145797.2 and 4 more transcripts); c.11G>A, p.Arg4Gln (NM_001308294.2); short protein forms R340Q, R4Q.
Identifiers: ClinVar variation 3358373 (VCV003358373.1).